The following is an entry in ClinVar:

NM_001330260.2(SCN8A):c.1736C>T (p.Ser579Phe)

Gene: SCN8A (sodium voltage-gated channel alpha subunit 8; plus strand). Cytogenetic location: 12q13.13.
Variant type: single nucleotide variant.
Coding change: c.1736C>T on transcript NM_001330260.2 (MANE Select); coding-DNA position 1736, C replaced by T.
Protein change: p.Ser579Phe; replaces serine 579 with phenylalanine.
Molecular consequence: missense variant.
Genome position (GRCh38, 1-based): chr12:51,721,646, C>T. VCF-style: chr12-51721646-C-T. GRCh37 (hg19) VCF-style: chr12-52115430-C-T.
Other names: c.1736C>T, p.Ser579Phe (NM_001177984.3, NM_001369788.1, NM_014191.4); short protein forms S579F.
Identifiers: ClinVar variation 4988293 (VCV004988293.1).

ClinVar aggregate classification (germline): Uncertain significance (1 of 4 stars; one submission).

Conditions:
SCN8A-related disorder.

Submission:

PreventionGenetics, part of Exact Sciences
Classification: Uncertain significance for SCN8A-related condition. Last evaluated: 2025-04-09. Review status: criteria provided, single submitter. Criteria: ACMG Guidelines, 2015. Collection method: clinical testing. Allele origin: germline.
Comment: The SCN8A c.1736C>T variant is predicted to result in the amino acid substitution p.Ser579Phe. To our knowledge, this variant has not been reported in the literature or in a large population database (gnomAD), indicating this variant is rare. At this time, the clinical significance of this variant is uncertain due to the absence of conclusive functional and genetic evidence.